The following is an entry in ClinVar:

NM_001723.7(DST):c.5470C>T (p.His1824Tyr)

Gene: DST (dystonin; minus strand). Cytogenetic location: 6p12.1.
Variant type: single nucleotide variant.
Coding change: c.5470C>T on transcript NM_001723.7 (MANE Plus Clinical); coding-DNA position 5470, C replaced by T.
Protein change: p.His1824Tyr; replaces histidine 1824 with tyrosine.
Molecular consequence: missense variant. On other transcripts: intron variant (10).
Genome position (GRCh38, 1-based): chr6:56,618,564, G>A on the plus strand (C>T on the coding strand, the complement: DST is on the minus strand). VCF-style: chr6-56618564-G-A. GRCh37 (hg19) VCF-style: chr6-56483362-G-A.
Other names: c.4831-4080C>T (NM_001144769.5); c.4930-4080C>T (NM_001374722.1, NM_001374736.1); c.4957-4080C>T (NM_001374734.1); c.4417-4080C>T (NM_001144770.2); c.4297-4080C>T (NM_001374730.1, NM_001386100.1, NM_183380.4 and 1 more transcripts); c.3319-4080C>T (NM_015548.5); short protein forms H1824Y.
Identifiers: ClinVar variation 966032 (VCV000966032.6), dbSNP rs762637278, ClinGen allele CA3870354.

ClinVar aggregate classification (germline): Uncertain significance (1 of 4 stars; one submission).

Conditions:
Hereditary sensory and autonomic neuropathy type 6. Also called: Neuropathy, hereditary sensory and autonomic, type VI; HSAN VI. Identifiers: Orphanet 314381, MedGen C3539003, MONDO:0013839, OMIM 614653.
Epidermolysis bullosa simplex 3, localized or generalized intermediate, with BP230 deficiency (EBS3). Also called: Epidermolysis bullosa simplex, autosomal recessive 2; Epidermolysis bullosa simplex due to BP230 deficiency. Identifiers: Orphanet 412181, MedGen C3809470, MONDO:0014180, OMIM 615425.

Allele frequency attached by ClinVar (database versions not stated): gnomAD exomes below 0.00001 and 0.00001; TOPMed below 0.00001; ExAC 0.00001; gnomAD 0.00001.
gnomAD v4.1: 4 of 1,614,008 alleles (0.00025%); highest among the groups gnomAD compares: Non-Finnish European, 0.00034%; no homozygotes.

Submission:

Labcorp Genetics (formerly Invitae), Labcorp
Classification: Uncertain significance for Epidermolysis bullosa simplex 3, localized or generalized intermediate, with BP230 deficiency; Hereditary sensory and autonomic neuropathy type 6. Last evaluated: 2021-08-31. Review status: criteria provided, single submitter. Criteria: Invitae Variant Classification Sherloc (09022015). Collection method: clinical testing. Allele origin: germline.
Comment: This sequence change replaces histidine with tyrosine at codon 1824 of the DST protein (p.His1824Tyr). The histidine residue is weakly conserved and there is a moderate physicochemical difference between histidine and tyrosine. This variant is present in population databases (rs762637278, ExAC 0.001%). This variant has not been reported in the literature in individuals affected with DST-related conditions. Algorithms developed to predict the effect of missense changes on protein structure and function are either unavailable or do not agree on the potential impact of this missense change (SIFT: "Deleterious"; PolyPhen-2: "Benign"; Align-GVGD: "Class C35"). In summary, the available evidence is currently insufficient to determine the role of this variant in disease. Therefore, it has been classified as a Variant of Uncertain Significance.